The following is an entry in ClinVar:

NM_002890.3(RASA1):c.68C>G (p.Ala23Gly)

Gene: RASA1 (RAS p21 protein activator 1; plus strand). Cytogenetic location: 5q14.3.
Variant type: single nucleotide variant.
Coding change: c.68C>G on transcript NM_002890.3 (MANE Select); coding-DNA position 68, C replaced by G.
Protein change: p.Ala23Gly; replaces alanine 23 with glycine.
Molecular consequence: missense variant.
Genome position (GRCh38, 1-based): chr5:87,268,519, C>G. VCF-style: chr5-87268519-C-G. GRCh37 (hg19) VCF-style: chr5-86564336-C-G.
Other names: short protein forms A23G.
Identifiers: ClinVar variation 1511408 (VCV001511408.10), dbSNP rs760944130, ClinGen allele CA3335314.
Genomic context (GRCh38, chr5:87,268,519, plus strand): 5'-CGGCCGAGGCCGGCAGTGAGGAGGGCGGCCCGGTAACAGCCGGAGCTGGAGGAGGCGGCG[C>G]GGCAGCGGGCTCCAGTGCCTATCCCGCAGTGTGTCGGGTGAAGATACCCGCGGCCCTGCC-3'
Protein context (NP_002881.1, residues 13-33): PVTAGAGGGG[Ala23Gly]AAGSSAYPAV

ClinVar aggregate classification (germline): Conflicting classifications of pathogenicity. Review status: criteria provided, conflicting classifications (1 of 4 stars). 2 submissions from 2 submitters: Uncertain significance (1); Likely benign (1). Last evaluated 2024-11-24.

Conditions:
Capillary malformation-arteriovenous malformation syndrome. Also called: Capillary malformation-arteriovenous malformation. Identifiers: Orphanet 137667, MedGen C1842180, MONDO:0012016.
Cardiovascular phenotype. Identifiers: MedGen CN230736.

Allele frequency attached by ClinVar (database versions not stated): gnomAD exomes 0.00002.
gnomAD v4.1: 25 of 1,580,118 alleles (0.0016%); highest among the groups gnomAD compares: Admixed American, 0.0037%; no homozygotes.

Submissions (2):

Labcorp Genetics (formerly Invitae), Labcorp
Classification: Uncertain significance for Capillary malformation-arteriovenous malformation syndrome. Last evaluated: 2024-11-24. Review status: criteria provided, single submitter. Criteria: Invitae Variant Classification Sherloc (09022015). Collection method: clinical testing. Allele origin: germline.
Comment: This sequence change replaces alanine, which is neutral and non-polar, with glycine, which is neutral and non-polar, at codon 23 of the RASA1 protein (p.Ala23Gly). This variant is present in population databases (rs760944130, gnomAD 0.008%). This variant has not been reported in the literature in individuals affected with RASA1-related conditions. ClinVar contains an entry for this variant (Variation ID: 1511408). An algorithm developed to predict the effect of missense changes on protein structure and function outputs the following: PolyPhen-2: "Possibly Damaging". The glycine amino acid residue is found in multiple mammalian species, which suggests that this missense change does not adversely affect protein function. In summary, the available evidence is currently insufficient to determine the role of this variant in disease. Therefore, it has been classified as a Variant of Uncertain Significance.

Ambry Genetics
Classification: Likely benign for Cardiovascular phenotype. Last evaluated: 2021-11-28. Review status: criteria provided, single submitter. Criteria: Ambry Variant Classification Scheme 2023. Collection method: clinical testing. Allele origin: germline.